The following is an entry in ClinVar:

NM_001365536.1(SCN9A):c.596C>T (p.Ala199Val)

Gene: SCN9A (sodium voltage-gated channel alpha subunit 9; minus strand). Cytogenetic location: 2q24.3.
Variant type: single nucleotide variant.
Coding change: c.596C>T on transcript NM_001365536.1 (MANE Select); coding-DNA position 596, C replaced by T.
Protein change: p.Ala199Val; replaces alanine 199 with valine.
Molecular consequence: missense variant.
Genome position (GRCh38, 1-based): chr2:166,305,792, G>A on the plus strand (C>T on the coding strand, the complement: SCN9A is on the minus strand). VCF-style: chr2-166305792-G-A. GRCh37 (hg19) VCF-style: chr2-167162302-G-A.
Other names: c.596C>T, p.Ala199Val (NM_002977.4); short protein forms A199V.
Identifiers: ClinVar variation 471160 (VCV000471160.7), dbSNP rs370472054, ClinGen allele CA59809226.
Genomic context (GRCh38, chr2:166,305,792, plus strand): 5'-AACACTGTGCTGCCTGAGATTTTCATAAATTTGCCGTTTCAAAAAGCTGAAAGTACTTAC[G>A]CAAAAACAATGACGACAAAATCCAGCCAGTTCCACGGGTCACGAAGAAAAGTGAATTCTC-3'
Protein context (NP_001352465.1, residues 189-209): NWLDFVVIVF[Ala199Val]YLTEFVNLGN

ClinVar aggregate classification (germline): Uncertain significance (1 of 4 stars; one submission).

Conditions:
Neuropathy, hereditary sensory and autonomic, type 2A (HSAN2A). Also called: ACROOSTEOLYSIS, NEUROGENIC; ACROOSTEOLYSIS, GIACCAI TYPE; MORVAN DISEASE; NEUROPATHY, CONGENITAL SENSORY; NEUROPATHY, HEREDITARY SENSORY RADICULAR, AUTOSOMAL RECESSIVE; NEUROPATHY, HEREDITARY SENSORY, TYPE IIA. Identifiers: Orphanet 970, MedGen C2752089, MONDO:0024309, OMIM 201300.
Generalized epilepsy with febrile seizures plus, type 7 (GEFSP7). Also called: GEFS+, TYPE 7. Identifiers: Orphanet 36387, MedGen C2751778, MONDO:0013470, OMIM 613863.

Allele frequency attached by ClinVar (database versions not stated): gnomAD exomes 0.00001; ESP Exome Variant Server 0.00008; TOPMed 0.00008.
gnomAD v4.1: 19 of 1,612,960 alleles (0.0012%); highest among the groups gnomAD compares: African/African-American, 0.004%; no homozygotes.

Submission:

Labcorp Genetics (formerly Invitae), Labcorp
Classification: Uncertain significance for Neuropathy, hereditary sensory and autonomic, type 2A; Generalized epilepsy with febrile seizures plus, type 7. Last evaluated: 2025-10-21. Review status: criteria provided, single submitter. Criteria: Invitae Variant Classification Sherloc (09022015). Collection method: clinical testing. Allele origin: germline.
Comment: This sequence change replaces alanine, which is neutral and non-polar, with valine, which is neutral and non-polar, at codon 199 of the SCN9A protein (p.Ala199Val). This variant is present in population databases (rs370472054, gnomAD 0.007%). This variant has not been reported in the literature in individuals affected with SCN9A-related conditions. ClinVar contains an entry for this variant (Variation ID: 471160). An algorithm developed to predict the effect of missense changes on protein structure and function (PolyPhen-2) suggests that this variant is likely to be disruptive. In summary, the available evidence is currently insufficient to determine the role of this variant in disease. Therefore, it has been classified as a Variant of Uncertain Significance.